The following is an entry in ClinVar:

ClinVar aggregate classification (germline): Likely pathogenic. Review status: criteria provided, multiple submitters, no conflicts (2 of 4 stars). 2 submissions from 2 submitters: Likely pathogenic (2). Last evaluated 2025-11-17.

Conditions:
Hereditary cancer-predisposing syndrome. Also called: Neoplastic Syndromes, Hereditary; Hereditary neoplastic syndrome; Hereditary Cancer Syndrome; Tumor predisposition. Identifiers: Orphanet 140162, MedGen C0027672, MeSH D009386, MONDO:0015356.
Familial adenomatous polyposis 2. Also called: MUTYH-related attenuated familial adenomatous polyposis; COLORECTAL ADENOMATOUS POLYPOSIS, AUTOSOMAL RECESSIVE; ADENOMAS, MULTIPLE COLORECTAL, AUTOSOMAL RECESSIVE; MYH-associated polyposis; MUTYH-associated polyposis; MUTYH Polyposis. Identifiers: Orphanet 220460, Orphanet 247798, MedGen C3272841, MONDO:0012041, OMIM 608456.

Submissions (2):

Ambry Genetics
Classification: Likely pathogenic for Hereditary cancer-predisposing syndrome. Last evaluated: 2025-11-17. Review status: criteria provided, single submitter. Criteria: Ambry Variant Classification Scheme 2023. Collection method: clinical testing. Allele origin: germline.
Comment: The c.1324-2A>G intronic variant results from an A to G substitution two nucleotides upstream from coding exon 14 in the MUTYH gene. This nucleotide position is highly conserved in available vertebrate species. This variant is considered to be rare based on population cohorts in the Genome Aggregation Database (gnomAD). In silico splice site analysis predicts that this alteration will weaken the native splice acceptor site and may result in the creation or strengthening of a novel splice acceptor site; however, direct evidence is insufficient at this time (Ambry internal data). Alterations that disrupt the canonical splice site are expected to cause aberrant splicing, resulting in an abnormal protein or a transcript that is subject to nonsense-mediated mRNA decay. As such, this alteration is classified as likely pathogenic.

Labcorp Genetics (formerly Invitae), Labcorp
Classification: Likely pathogenic for Familial adenomatous polyposis 2. Last evaluated: 2023-02-18. Review status: criteria provided, single submitter. Criteria: Invitae Variant Classification Sherloc (09022015). Collection method: clinical testing. Allele origin: germline.
Comment: In summary, the currently available evidence indicates that the variant is pathogenic, but additional data are needed to prove that conclusively. Therefore, this variant has been classified as Likely Pathogenic. Algorithms developed to predict the effect of sequence changes on RNA splicing suggest that this variant may disrupt the consensus splice site. This variant has not been reported in the literature in individuals affected with MUTYH-related conditions. This variant is not present in population databases (gnomAD no frequency). This sequence change affects an acceptor splice site in intron 13 of the MUTYH gene. It is expected to disrupt RNA splicing. Variants that disrupt the donor or acceptor splice site typically lead to a loss of protein function (PMID: 16199547), and loss-of-function variants in MUTYH are known to be pathogenic (PMID: 18534194, 20663686).

Literature cited by the submitters: PubMed 16199547 (cited by Labcorp Genetics (formerly Invitae), Labcorp); PubMed 18534194 (cited by Labcorp Genetics (formerly Invitae), Labcorp); PubMed 20663686 (cited by Labcorp Genetics (formerly Invitae), Labcorp).

NM_001048174.2(MUTYH):c.1240-2A>G

Gene: MUTYH (mutY DNA glycosylase; minus strand). Cytogenetic location: 1p34.1.
Variant type: single nucleotide variant.
Coding change: c.1240-2A>G on transcript NM_001048174.2 (MANE Select); the canonical splice acceptor site of the intron before coding-DNA position 1240, A replaced by G.
Molecular consequence: splice acceptor variant.
Genome position (GRCh38, 1-based): chr1:45,331,336, T>C on the plus strand (A>G on the coding strand, the complement: MUTYH is on the minus strand). VCF-style: chr1-45331336-T-C. GRCh37 (hg19) VCF-style: chr1-45797008-T-C.
Other names: c.1324-2A>G (NM_001128425.1, NM_001128425.2); c.895-2A>G (NM_001350651.2, NM_001350650.2, NM_001407082.1); c.964-2A>G (NM_001293192.2, NM_001293196.2, NM_001407091.1); c.1240-2A>G (NM_001407073.1, NM_001048171.2, NM_001407070.1 and 6 more transcripts); c.1285-2A>G (NM_001293190.2); c.1273-2A>G (NM_001407069.1, NM_001407077.1, NM_001293191.2); c.1315-2A>G (NM_012222.3); c.1243-2A>G (NM_001407071.1, NM_001048172.2, NM_001407078.1 and 1 more transcripts); and 5 more.
Identifiers: ClinVar variation 2820117 (VCV002820117.4), dbSNP rs1644799870, ClinGen allele CA340132814.